The following is an entry in ClinVar:

NM_001267550.2(TTN):c.84529G>C (p.Val28177Leu)

Genes: TTN-AS1 (TTN antisense RNA 1; plus strand), TTN (titin; minus strand). Cytogenetic location: 2q31.2.
Variant type: single nucleotide variant.
Coding change: c.84529G>C on transcript NM_001267550.2 (MANE Select); coding-DNA position 84529, G replaced by C.
Protein change: p.Val28177Leu; replaces valine 28177 with leucine.
Molecular consequence: missense variant.
Genome position (GRCh38, 1-based): chr2:178,561,603, C>G on the plus strand (G>C on the coding strand, the complement: TTN is on the minus strand). VCF-style: chr2-178561603-C-G. GRCh37 (hg19) VCF-style: chr2-179426330-C-G.
Other names: c.79606G>C, p.Val26536Leu (NM_001256850.1); c.57334G>C, p.Val19112Leu (NM_003319.4); c.76825G>C, p.Val25609Leu (NM_133378.4); c.57709G>C, p.Val19237Leu (NM_133432.3); c.57910G>C, p.Val19304Leu (NM_133437.4); short protein forms V19112L, V19237L, V19304L, V25609L, V26536L, V28177L.
Identifiers: ClinVar variation 3362110 (VCV003362110.1).

ClinVar aggregate classification (germline): Uncertain significance (1 of 4 stars; one submission).

Submission:

GeneDx
Classification: Uncertain significance. Last evaluated: 2023-05-25. Review status: criteria provided, single submitter. Criteria: GeneDx Variant Classification Process June 2021. Collection method: clinical testing. Allele origin: germline. Affected: yes.
Comment: Not observed at significant frequency in large population cohorts (gnomAD); Missense variant in a gene in which most reported pathogenic variants are truncating/loss of function; Has not been previously published as pathogenic or benign to our knowledge; Located in the A-band region of TTN in which the majority of loss of function variants have been associated with autosomal dominant titinopathies (Herman et al., 2012); This variant is associated with the following publications: (PMID: 23975875)